The following is an entry in ClinVar:

ClinVar aggregate classification (germline): Likely benign (1 of 4 stars; one submission).

Allele frequency attached by ClinVar (database versions not stated): TOPMed 0.00003; gnomAD 0.00005; gnomAD exomes 0.00005; ExAC 0.00006.
gnomAD v4.1: 73 of 1,613,578 alleles (0.0045%); highest among the groups gnomAD compares: East Asian, 0.02%; 1 homozygote.

Submission:

CeGaT Center for Human Genetics Tuebingen
Classification: Likely benign. Last evaluated: 2024-05-01. Review status: criteria provided, single submitter. Criteria: CeGaT Center For Human Genetics Tuebingen Variant Classification Criteria Version 2. Collection method: clinical testing. Allele origin: germline. Affected: yes. Observed: 1 variant allele.
Comment: SORD: BP4, BP7

NM_003104.6(SORD):c.579A>G (p.Lys193=)

Gene: SORD (sorbitol dehydrogenase; plus strand). Cytogenetic location: 15q21.1.
Variant type: single nucleotide variant.
Coding change: c.579A>G on transcript NM_003104.6 (MANE Select); coding-DNA position 579, A replaced by G.
Protein change: p.Lys193=; no amino-acid change (lysine 193 retained).
Molecular consequence: synonymous variant. On other transcripts: non-coding transcript variant (1).
Genome position (GRCh38, 1-based): chr15:45,068,215, A>G. VCF-style: chr15-45068215-A-G. GRCh37 (hg19) VCF-style: chr15-45360413-A-G.
Identifiers: ClinVar variation 3239139 (VCV003239139.19), dbSNP rs781332911.
Genomic context (GRCh38, chr15:45,068,215, plus strand): 5'-CATATTCCATCTTCTGCTTTGTTTAGGGCCAATCGGGATGGTCACTTTGCTCGTGGCCAA[A>G]GCAATGGGAGCAGCTCAAGTAGTGGTGACTGGTAAGACTTTGTTCTTTATCAATCTCCTT-3'
Protein context (NP_003095.2, residues 183-203): PIGMVTLLVA[Lys193=]AMGAAQVVVT